The following is an entry in ClinVar:

ClinVar aggregate classification (germline): Conflicting classifications of pathogenicity. Review status: criteria provided, conflicting classifications (1 of 4 stars). 3 submissions from 3 submitters: Uncertain significance (1); Benign (1); Likely benign (1). Last evaluated 2024-09-25.

Conditions:
Hereditary cancer-predisposing syndrome. Also called: Tumor predisposition; Neoplastic Syndromes, Hereditary; Hereditary Cancer Syndrome; Hereditary neoplastic syndrome. Identifiers: Orphanet 140162, MedGen C0027672, MeSH D009386, MONDO:0015356.
Hereditary diffuse gastric adenocarcinoma (HDGC). Also called: DIFFUSE GASTRIC AND LOBULAR BREAST CANCER SYNDROME. Identifiers: Orphanet 26106, MedGen C1708349, MONDO:0007648, OMIM 137215.

Allele frequency attached by ClinVar (database versions not stated): gnomAD exomes below 0.00001; ExAC 0.00001; gnomAD 0.00001; TOPMed 0.00001.
gnomAD v4.1: 4 of 1,612,434 alleles (0.00025%); highest among the groups gnomAD compares: African/African-American, 0.004%; no homozygotes.

Submissions (3):

Myriad Genetics, Inc.
Classification: Benign for Hereditary diffuse gastric adenocarcinoma. Last evaluated: 2024-09-25. Review status: criteria provided, single submitter. Criteria: Myriad Autosomal Dominant, Autosomal Recessive and X-Linked Classification Criteria (2023). Collection method: clinical testing. Allele origin: unknown.
Comment: This variant is considered benign. This variant occurs in the non-coding 3' untranslated region of the gene, and is not expected to impact protein function.

GeneDx
Classification: Likely benign. Last evaluated: 2022-05-06. Review status: criteria provided, single submitter. Criteria: GeneDx Variant Classification Process June 2021. Collection method: clinical testing. Allele origin: germline. Affected: yes.
Comment: See Variant Classification Assertion Criteria.

Ambry Genetics
Classification: Uncertain significance for Hereditary cancer-predisposing syndrome. Last evaluated: 2016-10-17. Review status: criteria provided, single submitter. Criteria: Ambry Variant Classification Scheme 2023. Collection method: clinical testing. Allele origin: germline.
Comment: The c.*3G>C variant is located in the 3' untranslated region (3&rsquo; UTR) of the CDH1 gene. This variant results from a G to C substitution 3 nucleotides after the termination codon of the CDH1 gene. This variant was not reported in population based cohorts in the following databases: Database of Single Nucleotide Polymorphisms (dbSNP), NHLBI Exome Sequencing Project (ESP), and 1000 Genomes Project. In the ESP, this variant was not observed in 6498 samples (12996 alleles) with coverage at this position. To date, this alteration has been detected with an allele frequency of approximately 0.0004% (greater than 240000 alleles tested) in our clinical cohort. This nucleotide position is well conserved in available vertebrate species. Since supporting evidence is limited at this time, the clinical significance of this alteration remains unclear.

NM_004360.5(CDH1):c.*3G>C

Gene: CDH1 (cadherin 1; plus strand). Cytogenetic location: 16q22.1.
Variant type: single nucleotide variant.
Coding change: c.*3G>C on transcript NM_004360.5 (MANE Select); 3 bases downstream of the stop codon, G replaced by C.
Molecular consequence: 3 prime UTR variant.
Genome position (GRCh38, 1-based): chr16:68,833,502, G>C. VCF-style: chr16-68833502-G-C. GRCh37 (hg19) VCF-style: chr16-68867405-G-C.
Other names: c.*3G>C (LRG_301t1, NM_001317184.2, NM_001317185.2 and 1 more transcripts).
Identifiers: ClinVar variation 486827 (VCV000486827.10), dbSNP rs753123245, ClinGen allele CA8130319.